The following is an entry in ClinVar:

NM_000218.3(KCNQ1):c.1393+31362T>A

Genes: KCNQ1 (potassium voltage-gated channel subfamily Q member 1; plus strand), KCNQ1OT1 (KCNQ1 opposite strand/antisense transcript 1; minus strand). Cytogenetic location: 11p15.5.
Variant type: single nucleotide variant.
Coding change: c.1393+31362T>A on transcript NM_000218.3 (MANE Select); 31362 bases into the intron after coding-DNA position 1393, T replaced by A.
Molecular consequence: intron variant. On other transcripts: non-coding transcript variant (1).
Genome position (GRCh38, 1-based): chr11:2,620,216, T>A. VCF-style: chr11-2620216-T-A. GRCh37 (hg19) VCF-style: chr11-2641446-T-A.
Other names: c.1123+31362T>A (NM_001406837.1); c.1297+31362T>A (NM_001406836.1); c.853+31362T>A (NM_001406838.1); c.1012+31362T>A (NM_181798.2).
Identifiers: ClinVar variation 2641383 (VCV002641383.24), dbSNP rs1395464484, ClinGen allele CA472106329.
Genomic context (GRCh38, chr11:2,620,216, plus strand): 5'-CTAGCTGCATCCATGTTGCTGCAAAGGACGTAAGTTCATTCATGTATATATATATATTTT[T>A]TTTTTTTATTTTTTTTTTAGACGGAGTTTCGCTCTTGTTGCCCAGGCTGGAGGGCAATGG-3'

ClinVar aggregate classification (germline): Benign (1 of 4 stars; one submission).

Allele frequency attached by ClinVar (database versions not stated): gnomAD exomes 0.00048; gnomAD 0.00075.
gnomAD v4.1: 174 of 277,798 alleles (0.063%); highest among the groups gnomAD compares: Non-Finnish European, 0.093%; no homozygotes.

Submission:

CeGaT Center for Human Genetics Tuebingen
Classification: Benign. Last evaluated: 2025-07-01. Review status: criteria provided, single submitter. Criteria: CeGaT Center For Human Genetics Tuebingen Variant Classification Criteria Version 2. Collection method: clinical testing. Allele origin: germline. Affected: yes. Observed: 5 variant alleles.
Comment: KCNQ1OT1: BS1, BS2